The following is an entry in ClinVar:

ClinVar aggregate classification (germline): Uncertain significance (1 of 4 stars; one submission).

gnomAD v4.1: 4 of 1,563,804 alleles (0.00026%); highest among the groups gnomAD compares: South Asian, 0.0047%; no homozygotes.

Submission:

CeGaT Center for Human Genetics Tuebingen
Classification: Uncertain significance. Last evaluated: 2024-11-01. Review status: criteria provided, single submitter. Criteria: CeGaT Center For Human Genetics Tuebingen Variant Classification Criteria Version 2. Collection method: clinical testing. Allele origin: germline. Affected: yes. Observed: 1 variant allele.
Comment: CFAP65: PM2, PP3

NM_194302.4(CFAP65):c.2596G>A (p.Glu866Lys)

Gene: CFAP65 (cilia and flagella associated protein 65; minus strand). Cytogenetic location: 2q35.
Variant type: single nucleotide variant.
Coding change: c.2596G>A on transcript NM_194302.4 (MANE Select); coding-DNA position 2596, G replaced by A.
Protein change: p.Glu866Lys; replaces glutamic acid 866 with lysine.
Molecular consequence: missense variant.
Genome position (GRCh38, 1-based): chr2:219,023,431, C>T on the plus strand (G>A on the coding strand, the complement: CFAP65 is on the minus strand). VCF-style: chr2-219023431-C-T. GRCh37 (hg19) VCF-style: chr2-219888153-C-T.
Other names: short protein forms E866K.
Identifiers: ClinVar variation 3389476 (VCV003389476.14).